The following is an entry in ClinVar:

ClinVar aggregate classification (germline): Benign/Likely benign. Review status: criteria provided, multiple submitters, no conflicts (2 of 4 stars). 5 submissions from 5 submitters: Benign (4); Likely benign (1). Last evaluated 2026-02-02.

Conditions:
Ullrich congenital muscular dystrophy 2 (UCMD2). Identifiers: Orphanet 75840, MedGen C4225314, MONDO:0014654, OMIM 616470.
Bethlem myopathy 2 (BTHLM2). Identifiers: Orphanet 536516, Orphanet 610, MedGen C4225313, MONDO:0034022, OMIM 616471.

Allele frequency attached by ClinVar (database versions not stated): gnomAD exomes 0.00349 and 0.00129; ExAC 0.00422; gnomAD 0.01322 and 0.01428; ESP Exome Variant Server 0.01492; TOPMed 0.01520; 1000 Genomes Project 0.01158; 1000 Genomes Project 30x 0.01202.
gnomAD v4.1: 4,007 of 1,614,230 alleles (0.25%); highest among the groups gnomAD compares: African/African-American, 4.6%; 88 homozygotes.

Submissions (5):

Labcorp Genetics (formerly Invitae), Labcorp
Classification: Benign for Bethlem myopathy 2; Ullrich congenital muscular dystrophy 2. Last evaluated: 2026-02-02. Review status: criteria provided, single submitter. Criteria: Invitae Variant Classification Sherloc (09022015). Collection method: clinical testing. Allele origin: germline.

Women's Health and Genetics/Laboratory Corporation of America, LabCorp
Classification: Likely benign. Last evaluated: 2026-01-22. Review status: criteria provided, single submitter. Criteria: LabCorp Variant Classification Summary - May 2015. Collection method: clinical testing. Allele origin: germline.

Mayo Clinic Laboratories, Mayo Clinic
Classification: Benign. Last evaluated: 2023-06-08. Review status: criteria provided, single submitter. Criteria: ACMG Guidelines, 2015. Collection method: clinical testing. Allele origin: germline. Observed: 23 variant alleles.
Comment: BA1, BP4, BP7

GeneDx
Classification: Benign. Last evaluated: 2019-08-15. Review status: criteria provided, single submitter. Criteria: GeneDx Variant Classification Process June 2021. Collection method: clinical testing. Allele origin: germline. Affected: yes.

PreventionGenetics, part of Exact Sciences
Classification: Benign. Review status: criteria provided, single submitter. Criteria: ACMG Guidelines, 2015. Collection method: clinical testing. Allele origin: germline.

NM_004370.6(COL12A1):c.1551A>G (p.Thr517=)

Gene: COL12A1 (collagen type XII alpha 1 chain; minus strand). Cytogenetic location: 6q13.
Variant type: single nucleotide variant.
Coding change: c.1551A>G on transcript NM_004370.6 (MANE Select); coding-DNA position 1551, A replaced by G.
Protein change: p.Thr517=; no amino-acid change (threonine 517 retained).
Molecular consequence: synonymous variant. On other transcripts: intron variant (1).
Genome position (GRCh38, 1-based): chr6:75,183,390, T>C on the plus strand (A>G on the coding strand, the complement: COL12A1 is on the minus strand). VCF-style: chr6-75183390-T-C. GRCh37 (hg19) VCF-style: chr6-75893106-T-C.
Other names: p.Thr517=; c.73+19330A>G (NM_080645.3).
Identifiers: ClinVar variation 259319 (VCV000259319.19), dbSNP rs34767467, ClinGen allele CA3894179.